The following is an entry in ClinVar:

ClinVar aggregate classification (germline): Uncertain significance (1 of 4 stars; one submission).

Allele frequency attached by ClinVar (database versions not stated): gnomAD exomes below 0.00001; TOPMed below 0.00001.

Submission:

Labcorp Genetics (formerly Invitae), Labcorp
Classification: Uncertain significance. Last evaluated: 2023-05-20. Review status: criteria provided, single submitter. Criteria: Invitae Variant Classification Sherloc (09022015). Collection method: clinical testing. Allele origin: germline.
Comment: In summary, the available evidence is currently insufficient to determine the role of this variant in disease. Therefore, it has been classified as a Variant of Uncertain Significance. This sequence change replaces asparagine, which is neutral and polar, with serine, which is neutral and polar, at codon 564 of the FRMD7 protein (p.Asn564Ser). This variant is not present in population databases (gnomAD no frequency). This variant has not been reported in the literature in individuals affected with FRMD7-related conditions. Algorithms developed to predict the effect of missense changes on protein structure and function output the following: SIFT: "Not Available"; PolyPhen-2: "Benign"; Align-GVGD: "Not Available". The serine amino acid residue is found in multiple mammalian species, which suggests that this missense change does not adversely affect protein function.

NM_194277.3(FRMD7):c.1691A>G (p.Asn564Ser)

Gene: FRMD7 (FERM domain containing 7; minus strand). Cytogenetic location: Xq26.2.
Variant type: single nucleotide variant.
Coding change: c.1691A>G on transcript NM_194277.3 (MANE Select); coding-DNA position 1691, A replaced by G.
Protein change: p.Asn564Ser; replaces asparagine 564 with serine.
Molecular consequence: missense variant.
Genome position (GRCh38, 1-based): chrX:132,078,326, T>C on the plus strand (A>G on the coding strand, the complement: FRMD7 is on the minus strand). VCF-style: chrX-132078326-T-C. GRCh37 (hg19) VCF-style: chrX-131212354-T-C.
Other names: c.1646A>G, p.Asn549Ser (NM_001306193.2); short protein forms N549S, N564S.
Identifiers: ClinVar variation 2799556 (VCV002799556.3), dbSNP rs1927683604, ClinGen allele CA414678513.